The following is an entry in ClinVar:

ClinVar aggregate classification (germline): Conflicting classifications of pathogenicity. Review status: criteria provided, conflicting classifications (1 of 4 stars). 6 submissions from 6 submitters: Pathogenic (1); Likely pathogenic (1); Uncertain significance (3). 1 of the submissions does not count toward it. Last evaluated 2024-12-03.

Conditions:
Inborn genetic diseases. Identifiers: MedGen C0950123, MeSH D030342.
Charcot-Marie-Tooth disease. Also called: Charcot-Marie-Tooth Hereditary Neuropathy; Charcot-Marie-Tooth Neuropathy. Identifiers: Orphanet 166, MedGen C0007959, MONDO:0015626.
Charcot-Marie-Tooth disease type 1C. Also called: CHARCOT-MARIE-TOOTH DISEASE, DEMYELINATING, TYPE 1C; CHARCOT-MARIE-TOOTH NEUROPATHY, TYPE 1C; Charcot-Marie-Tooth disease, type IC; NEUROPATHY, HEREDITARY MOTOR AND SENSORY, TYPE IC; CMT, SLOW NERVE CONDUCTION TYPE C; HMSN IC. Identifiers: Orphanet 101083, MedGen C0270913, MONDO:0010995, OMIM 601098.

Allele frequency attached by ClinVar (database versions not stated): gnomAD exomes below 0.00001 and 0.00001.
gnomAD v4.1: 13 of 1,614,062 alleles (0.00081%); highest among the groups gnomAD compares: Admixed American, 0.0017%; no homozygotes.

Submissions (6):

Ambry Genetics
Classification: Uncertain significance for Inborn genetic diseases. Last evaluated: 2024-12-03. Review status: criteria provided, single submitter. Criteria: Ambry Variant Classification Scheme 2023. Collection method: clinical testing. Allele origin: germline.
Comment: The c.331G>A (p.A111T) alteration is located in exon 3 (coding exon 2) of the LITAF gene. This alteration results from a G to A substitution at nucleotide position 331, causing the alanine (A) at amino acid position 111 to be replaced by a threonine (T). Based on data from gnomAD, the A allele has an overall frequency of <0.001% (1/251194) total alleles studied. The highest observed frequency was 0.003% (1/34586) of Latino alleles. This variant was reported in individual(s) with features consistent with Charcot-Marie-Tooth disease, type 1C (Guimar&atilde;es-Costa, 2017; Roggenbuck, 2024; External communication, 2024). Another variant at the same codon, c.332C>G (p.A111G) has been identified in a family with features consistent with Charcot-Marie-Tooth disease, type 1C (Latour, 2006). This amino acid position is well conserved in available vertebrate species. The in silico prediction for this alteration is inconclusive. Based on insufficient or conflicting evidence, the clinical significance of this alteration remains unclear.

Labcorp Genetics (formerly Invitae), Labcorp
Classification: Pathogenic for Charcot-Marie-Tooth disease type 1C. Last evaluated: 2024-09-30. Review status: criteria provided, single submitter. Criteria: Invitae Variant Classification Sherloc (09022015). Collection method: clinical testing. Allele origin: germline.
Comment: This sequence change replaces alanine, which is neutral and non-polar, with threonine, which is neutral and polar, at codon 111 of the LITAF protein (p.Ala111Thr). This variant is present in population databases (no rsID available, gnomAD 0.003%). This missense change has been observed in individuals with Charcot-Marie-Tooth disease (PMID: 28211240; internal data). ClinVar contains an entry for this variant (Variation ID: 639258). An algorithm developed to predict the effect of missense changes on protein structure and function (PolyPhen-2) suggests that this variant is likely to be disruptive. This variant disrupts the p.Ala111 amino acid residue in LITAF. Other variant(s) that disrupt this residue have been determined to be pathogenic (PMID: 16787513). This suggests that this residue is clinically significant, and that variants that disrupt this residue are likely to be disease-causing. For these reasons, this variant has been classified as Pathogenic.

Revvity Omics, Revvity
Classification: Uncertain significance for Charcot-Marie-Tooth disease type 1C. Last evaluated: 2024-02-14. Review status: criteria provided, single submitter. Criteria: ACMG Guidelines, 2015. Collection method: clinical testing. Allele origin: germline.

GeneDx
Classification: Likely pathogenic. Last evaluated: 2023-11-13. Review status: criteria provided, single submitter. Criteria: GeneDx Variant Classification Process June 2021. Collection method: clinical testing. Allele origin: germline. Affected: yes.
Comment: Not observed at significant frequency in large population cohorts (gnomAD); In silico analysis supports that this missense variant does not alter protein structure/function; This variant is associated with the following publications: (PMID: 28211240, 32461279)

CeGaT Center for Human Genetics Tuebingen
Classification: Uncertain significance. Last evaluated: 2023-02-01. Review status: criteria provided, single submitter. Criteria: CeGaT Center For Human Genetics Tuebingen Variant Classification Criteria Version 2. Collection method: clinical testing. Allele origin: germline. Affected: yes. Observed: 2 variant alleles.
Comment: LITAF: PM1, PM5, PS4:Supporting

Inherited Neuropathy Consortium
Classification: Likely pathogenic for Charcot-Marie-Tooth disease. Review status: no assertion criteria provided. Collection method: provider interpretation. Allele origin: inherited. Affected: yes. Not counted in ClinVar's aggregate classification.

Literature cited by the submitters: PubMed 16787513 (cited by Ambry Genetics and Labcorp Genetics (formerly Invitae), Labcorp); PubMed 28211240 (cited by Ambry Genetics and Labcorp Genetics (formerly Invitae), Labcorp); PubMed 39140136 (cited by Ambry Genetics).

NM_001136472.2(LITAF):c.331G>A (p.Ala111Thr)

Gene: LITAF (lipopolysaccharide induced TNF factor; minus strand). Cytogenetic location: 16p13.13.
Variant type: single nucleotide variant.
Coding change: c.331G>A on transcript NM_001136472.2 (MANE Select); coding-DNA position 331, G replaced by A.
Protein change: p.Ala111Thr; replaces alanine 111 with threonine.
Molecular consequence: missense variant. On other transcripts: non-coding transcript variant (1).
Genome position (GRCh38, 1-based): chr16:11,553,579, C>T on the plus strand (G>A on the coding strand, the complement: LITAF is on the minus strand). VCF-style: chr16-11553579-C-T. GRCh37 (hg19) VCF-style: chr16-11647435-C-T.
Other names: c.331G>A, p.Ala111Thr (NM_001136473.1, NM_004862.4); short protein forms A111T.
Identifiers: ClinVar variation 639258 (VCV000639258.56), dbSNP rs1324125372, ClinGen allele CA394765314.